The following is an entry in ClinVar:

NM_181552.4(CUX1):c.68G>A (p.Arg23Gln)

Gene: CUX1 (cut like homeobox 1; plus strand). Cytogenetic location: 7q22.1.
Variant type: single nucleotide variant.
Coding change: c.68G>A on transcript NM_181552.4 (MANE Select); coding-DNA position 68, G replaced by A.
Protein change: p.Arg23Gln; replaces arginine 23 with glutamine.
Molecular consequence: missense variant. On other transcripts: intron variant (1).
Genome position (GRCh38, 1-based): chr7:101,916,152, G>A. VCF-style: chr7-101916152-G-A. GRCh37 (hg19) VCF-style: chr7-101559432-G-A.
Other names: p.Arg23Gln; c.101G>A, p.Arg34Gln (NM_001202543.2, NM_001202544.3, NM_001202545.3 and 2 more transcripts); c.63+100059G>A (NM_001202546.3); short protein forms R23Q, R34Q.
Identifiers: ClinVar variation 4852483 (VCV004852483.1).

ClinVar aggregate classification (germline): Uncertain significance (1 of 4 stars; one submission).

Conditions:
Global developmental delay with or without impaired intellectual development. Identifiers: MedGen C5193032, MONDO:0032680, OMIM 618330.

gnomAD v4.1: 6 of 1,613,882 alleles (0.00037%); highest among the groups gnomAD compares: Non-Finnish European, 0.00051%; no homozygotes.

Submission:

Foundation for Research in Genetics and Endocrinology, FRIGE's Institute of Human Genetics
Classification: Uncertain significance for Global developmental delay with or without impaired intellectual development. Last evaluated: 2026-05-11. Review status: criteria provided, single submitter. Criteria: ACMG Guidelines, 2015. Collection method: clinical testing. Allele origin: germline. Inheritance: Autosomal dominant inheritance. Affected: yes. Observed: 1 variant allele, 1 heterozygote.
Comment: A heterozygous missense variant in exon 2 of the CUX1 gene that results in the amino acid substitution of Glutamine for Arginine at codon 23 (p.Arg23Gln) was detected . The p.Arg23Gln variant has not been reported in the 1000 genomes, gnomAD (v3.1) and topmed databases and has a minor allele frequency of 0.0004% in the gnomAD (v2.1) database. The in-silico predictions of the variant are possibly damaging by PolyPhen-2 and damaging by SIFT, LRT and CONDEL. The reference codon is conserved across species. In summary, the variant meets our criteria to be classified as a variant of uncertain significance.